The following is an entry in ClinVar:

NM_004991.4(MECOM):c.1922A>G (p.His641Arg)

Gene: MECOM (MDS1 and EVI1 complex locus; minus strand). Cytogenetic location: 3q26.2.
Variant type: single nucleotide variant.
Coding change: c.1922A>G on transcript NM_004991.4 (MANE Select); coding-DNA position 1922, A replaced by G.
Protein change: p.His641Arg; replaces histidine 641 with arginine.
Molecular consequence: missense variant. On other transcripts: intron variant (2).
Genome position (GRCh38, 1-based): chr3:169,115,950, T>C on the plus strand (A>G on the coding strand, the complement: MECOM is on the minus strand). VCF-style: chr3-169115950-T-C. GRCh37 (hg19) VCF-style: chr3-168833738-T-C.
Other names: c.1553A>G, p.His518Arg (NM_001105077.4); c.1358A>G, p.His453Arg (NM_001105078.4, NM_001164000.2, NM_001205194.2 and 4 more transcripts); c.1361A>G, p.His454Arg (NM_001163999.2, NM_001366467.2, NM_001366468.2 and 1 more transcripts); c.1922A>G, p.His641Arg (NM_001366466.2); c.1133-183A>G (NM_001366473.2); c.569-183A>G (NM_001366474.2); short protein forms H453R, H641R, H454R, H518R.
Identifiers: ClinVar variation 4105761 (VCV004105761.1).

ClinVar aggregate classification (germline): Uncertain significance (1 of 4 stars; one submission).

Conditions:
Inborn genetic diseases. Identifiers: MedGen C0950123, MeSH D030342.

gnomAD v4.1: 2 of 1,614,174 alleles (0.00012%); highest among the groups gnomAD compares: African/African-American, 0.0013%; no homozygotes.

Submission:

Ambry Genetics
Classification: Uncertain significance for Inborn genetic diseases. Last evaluated: 2025-07-10. Review status: criteria provided, single submitter. Criteria: Ambry Variant Classification Scheme 2023. Collection method: clinical testing. Allele origin: germline.
Comment: The p.H641R variant (also known as c.1922A>G), located in coding exon 8 of the MECOM gene, results from an A to G substitution at nucleotide position 1922. The histidine at codon 641 is replaced by arginine, an amino acid with highly similar properties. This amino acid position is conserved. In addition, this alteration is predicted to be tolerated by in silico analysis. Based on the available evidence, the clinical significance of this variant remains unclear.